The following is an entry in ClinVar:

NM_001430.5(EPAS1):c.310C>A (p.Gln104Lys)

Gene: EPAS1 (endothelial PAS domain protein 1; plus strand). Cytogenetic location: 2p21.
Variant type: single nucleotide variant.
Coding change: c.310C>A on transcript NM_001430.5 (MANE Select); coding-DNA position 310, C replaced by A.
Protein change: p.Gln104Lys; replaces glutamine 104 with lysine.
Molecular consequence: missense variant.
Genome position (GRCh38, 1-based): chr2:46,356,243, C>A. VCF-style: chr2-46356243-C-A. GRCh37 (hg19) VCF-style: chr2-46583382-C-A.
Other names: short protein forms Q104K.
Identifiers: ClinVar variation 1727724 (VCV001727724.2), dbSNP rs1380732301, ClinGen allele CA346697860.

ClinVar aggregate classification (germline): Uncertain significance (1 of 4 stars; one submission).

Conditions:
Inborn genetic diseases. Identifiers: MedGen C0950123, MeSH D030342.

Allele frequency attached by ClinVar (database versions not stated): gnomAD exomes below 0.00001.
gnomAD v4.1: 3 of 1,613,964 alleles (0.00019%); highest among the groups gnomAD compares: Non-Finnish European, 0.00025%; no homozygotes.

Submission:

Ambry Genetics
Classification: Uncertain significance for Inborn genetic diseases. Last evaluated: 2021-09-22. Review status: criteria provided, single submitter. Criteria: Ambry Variant Classification Scheme 2023. Collection method: clinical testing. Allele origin: germline.
Comment: The p.Q104K variant (also known as c.310C>A), located in coding exon 3 of the EPAS1 gene, results from a C to A substitution at nucleotide position 310. The glutamine at codon 104 is replaced by lysine, an amino acid with similar properties. This amino acid position is conserved. In addition, this alteration is predicted to be tolerated by in silico analysis. Since supporting evidence is limited at this time, the clinical significance of this alteration remains unclear.